The following is an entry in ClinVar:

NM_004526.4(MCM2):c.1840G>T (p.Ala614Ser)

Gene: MCM2 (minichromosome maintenance complex component 2; plus strand). Cytogenetic location: 3q21.3.
Variant type: single nucleotide variant.
Coding change: c.1840G>T on transcript NM_004526.4 (MANE Select); coding-DNA position 1840, G replaced by T.
Protein change: p.Ala614Ser; replaces alanine 614 with serine.
Molecular consequence: missense variant. On other transcripts: non-coding transcript variant (1).
Genome position (GRCh38, 1-based): chr3:127,617,345, G>T. VCF-style: chr3-127617345-G-T. GRCh37 (hg19) VCF-style: chr3-127336188-G-T.
Other names: short protein forms A614S.
Identifiers: ClinVar variation 3703593 (VCV003703593.2).

ClinVar aggregate classification (germline): Uncertain significance (1 of 4 stars; one submission).

gnomAD v4.1: 4 of 1,613,996 alleles (0.00025%); highest among the groups gnomAD compares: Non-Finnish European, 0.00017%; no homozygotes.

Submission:

Labcorp Genetics (formerly Invitae), Labcorp
Classification: Uncertain significance. Last evaluated: 2024-09-27. Review status: criteria provided, single submitter. Criteria: Invitae Variant Classification Sherloc (09022015). Collection method: clinical testing. Allele origin: germline.
Comment: This sequence change replaces alanine, which is neutral and non-polar, with serine, which is neutral and polar, at codon 614 of the MCM2 protein (p.Ala614Ser). This variant is present in population databases (no rsID available, gnomAD 0.01%). This variant has not been reported in the literature in individuals affected with MCM2-related conditions. Invitae Evidence Modeling of protein sequence and biophysical properties (such as structural, functional, and spatial information, amino acid conservation, physicochemical variation, residue mobility, and thermodynamic stability) indicates that this missense variant is expected to disrupt MCM2 protein function with a positive predictive value of 80%. In summary, the available evidence is currently insufficient to determine the role of this variant in disease. Therefore, it has been classified as a Variant of Uncertain Significance.